The following is an entry in ClinVar:

NM_002878.4(RAD51D):c.183C>G (p.Phe61Leu)

Genes: RAD51D (RAD51 paralog D; minus strand), RAD51L3-RFFL (RAD51L3-RFFL readthrough; minus strand). Cytogenetic location: 17q12.
Variant type: single nucleotide variant.
Coding change: c.183C>G on transcript NM_002878.4 (MANE Select); coding-DNA position 183, C replaced by G.
Protein change: p.Phe61Leu; replaces phenylalanine 61 with leucine.
Molecular consequence: missense variant. On other transcripts: intron variant (2).
Genome position (GRCh38, 1-based): chr17:35,118,581, G>C on the plus strand (C>G on the coding strand, the complement: RAD51D is on the minus strand). VCF-style: chr17-35118581-G-C. GRCh37 (hg19) VCF-style: chr17-33445600-G-C.
Other names: c.144+530C>G (NM_133629.3, NM_001142571.2); short protein forms F61L.
Identifiers: ClinVar variation 949917 (VCV000949917.11), dbSNP rs1185842552, ClinGen allele CA399091467.

ClinVar aggregate classification (germline): Uncertain significance. Review status: criteria provided, multiple submitters, no conflicts (2 of 4 stars). 3 submissions from 3 submitters: Uncertain significance (3). Last evaluated 2025-10-14.

Conditions:
Hereditary cancer-predisposing syndrome. Also called: Tumor predisposition; Hereditary neoplastic syndrome; Neoplastic Syndromes, Hereditary; Hereditary Cancer Syndrome. Identifiers: Orphanet 140162, MedGen C0027672, MeSH D009386, MONDO:0015356.
Breast-ovarian cancer, familial, susceptibility to, 4. Identifiers: Orphanet 145, MedGen C3280345, MONDO:0013669, OMIM 614291.

Allele frequency attached by ClinVar (database versions not stated): TOPMed below 0.00001; gnomAD 0.00001.

Submissions (3):

Labcorp Genetics (formerly Invitae), Labcorp
Classification: Uncertain significance for Breast-ovarian cancer, familial, susceptibility to, 4. Last evaluated: 2025-10-14. Review status: criteria provided, single submitter. Criteria: Invitae Variant Classification Sherloc (09022015). Collection method: clinical testing. Allele origin: germline.
Comment: This sequence change replaces phenylalanine, which is neutral and non-polar, with leucine, which is neutral and non-polar, at codon 61 of the RAD51D protein (p.Phe61Leu). This variant is not present in population databases (gnomAD no frequency). This variant has not been reported in the literature in individuals affected with RAD51D-related conditions. ClinVar contains an entry for this variant (Variation ID: 949917). Invitae Evidence Modeling of protein sequence and biophysical properties (such as structural, functional, and spatial information, amino acid conservation, physicochemical variation, residue mobility, and thermodynamic stability) indicates that this missense variant is not expected to disrupt RAD51D protein function with a negative predictive value of 80%. In summary, the available evidence is currently insufficient to determine the role of this variant in disease. Therefore, it has been classified as a Variant of Uncertain Significance.

Ambry Genetics
Classification: Uncertain significance for Hereditary cancer-predisposing syndrome. Last evaluated: 2024-02-02. Review status: criteria provided, single submitter. Criteria: Ambry Variant Classification Scheme 2023. Collection method: clinical testing. Allele origin: germline.
Comment: The p.F61L variant (also known as c.183C>G), located in coding exon 3 of the RAD51D gene, results from a C to G substitution at nucleotide position 183. The phenylalanine at codon 61 is replaced by leucine, an amino acid with highly similar properties. This amino acid position is conserved. In addition, this alteration is predicted to be tolerated by in silico analysis. Based on the available evidence, the clinical significance of this alteration remains unclear.

Baylor Genetics
Classification: Uncertain significance for Breast-ovarian cancer, familial, susceptibility to, 4. Last evaluated: 2023-07-23. Review status: criteria provided, single submitter. Criteria: ACMG Guidelines, 2015. Collection method: clinical testing. Allele origin: unknown.